The following is an entry in ClinVar:

NR_033294.2(SNORD118):n.129_130insCCCTGATTGCTCCTA

Genes: SNORD118 (small nucleolar RNA, C/D box 118; minus strand), TMEM107 (transmembrane protein 107; minus strand). Cytogenetic location: 17p13.1.
Variant type: Insertion.
Molecular consequence: non-coding transcript variant (on NR_033294.2). On other transcripts: 3 prime UTR variant (5).
Genome position: GRCh38 VCF-style: chr17-8173459-A-ATAGGAGCAATCAGGG. GRCh37 (hg19) VCF-style: chr17-8076777-A-ATAGGAGCAATCAGGG.
Other names: c.*743_*744insCCCTGATTGCTCCTA (NM_001351278.2, NM_001351279.2, NM_001351280.2 and 2 more transcripts).
Identifiers: ClinVar variation 2111982 (VCV002111982.4), dbSNP rs745938364, ClinGen allele CA2580094912.

ClinVar aggregate classification (germline): Uncertain significance (1 of 4 stars; one submission).

Submission:

Labcorp Genetics (formerly Invitae), Labcorp
Classification: Uncertain significance. Last evaluated: 2024-11-04. Review status: criteria provided, single submitter. Criteria: Invitae Variant Classification Sherloc (09022015). Collection method: clinical testing. Allele origin: germline.
Comment: This variant occurs in the SNORD118 gene, which encodes an RNA molecule that does not result in a protein product. This variant is not present in population databases (gnomAD no frequency). This variant has not been reported in the literature in individuals affected with SNORD118-related conditions. ClinVar contains an entry for this variant (Variation ID: 2111982). Experimental studies and prediction algorithms are not available or were not evaluated, and the functional significance of this variant is currently unknown. In summary, the available evidence is currently insufficient to determine the role of this variant in disease. Therefore, it has been classified as a Variant of Uncertain Significance.